The following is an entry in ClinVar:

NM_001203.3(BMPR1B):c.1065T>A (p.Val355=)

Gene: BMPR1B (bone morphogenetic protein receptor type 1B; plus strand). Cytogenetic location: 4q22.3.
Variant type: single nucleotide variant.
Coding change: c.1065T>A on transcript NM_001203.3 (MANE Select); coding-DNA position 1065, T replaced by A.
Protein change: p.Val355=; no amino-acid change (valine 355 retained).
Molecular consequence: synonymous variant.
Genome position (GRCh38, 1-based): chr4:95,131,501, T>A. VCF-style: chr4-95131501-T-A. GRCh37 (hg19) VCF-style: chr4-96052652-T-A.
Other names: c.1065T>A, p.Val355= (NM_001256792.2, NM_001256794.1); c.1155T>A, p.Val385= (NM_001256793.2).
Identifiers: ClinVar variation 350122 (VCV000350122.14), dbSNP rs139872191, ClinGen allele CA3015146.

ClinVar aggregate classification (germline): Benign/Likely benign. Review status: criteria provided, multiple submitters, no conflicts (2 of 4 stars). 4 submissions from 4 submitters: Benign (1); Likely benign (3). Last evaluated 2025-12-23.

Conditions:
Brachydactyly. Also called: Brachydactyly syndrome; Brachydactyly (disease). Identifiers: MedGen C0221357, MONDO:0021004, HP:0001156.
Acromesomelic dysplasia 3 (AMD3). Also called: CHONDRODYSPLASIA, ACROMESOMELIC, WITH OR WITHOUT GENITAL ANOMALIES; Acromesomelic dysplasia, Demirhan type. Identifiers: MedGen C4225404, MONDO:0012274, OMIM 609441.
Type A2 brachydactyly (BDA2). Also called: MOHR-WRIEDT TYPE BRACHYDACTYLY; BRACHYMESOPHALANGY II; Brachymesophalangy type 2. Identifiers: Orphanet 93396, MedGen C1832702, MONDO:0007216, OMIM 112600, HP:0009372.

Allele frequency attached by ClinVar (database versions not stated): 1000 Genomes Project 0.00040; 1000 Genomes Project 30x 0.00047; gnomAD 0.00064 and 0.00065; TOPMed 0.00067; ESP Exome Variant Server 0.00077.
gnomAD v4.1: 709 of 1,614,070 alleles (0.044%); highest among the groups gnomAD compares: Middle Eastern, 0.51%; 2 homozygotes.

Submissions (4):

Labcorp Genetics (formerly Invitae), Labcorp
Classification: Likely benign for Type A2 brachydactyly; Acromesomelic dysplasia 3. Last evaluated: 2025-12-23. Review status: criteria provided, single submitter. Criteria: Invitae Variant Classification Sherloc (09022015). Collection method: clinical testing. Allele origin: germline.

Blueprint Genetics
Classification: Likely benign. Last evaluated: 2024-11-21. Review status: criteria provided, single submitter. Criteria: ACMG Guidelines, 2015. Collection method: clinical testing. Allele origin: germline.

Illumina Laboratory Services, Illumina
Classification: Benign for Brachydactyly. Last evaluated: 2018-01-12. Review status: criteria provided, single submitter. Criteria: ICSL Variant Classification Criteria 13 December 2019. Collection method: clinical testing. Allele origin: germline.
Comment: This variant was observed in the ICSL laboratory as part of a predisposition screen in an ostensibly healthy population. It had not been previously curated by ICSL or reported in the Human Gene Mutation Database (HGMD: prior to June 1st, 2018), and was therefore a candidate for classification through an automated scoring system. Utilizing variant allele frequency, disease prevalence and penetrance estimates, and inheritance mode, an automated score was calculated to assess if this variant is too frequent to cause the disease. Based on the score and internal cut-off values, a variant classified as benign is not then subjected to further curation. The score for this variant resulted in a classification of benign for this disease.

Breakthrough Genomics
Classification: Likely benign. Review status: criteria provided, single submitter. Criteria: ACMG Guidelines, 2015. Collection method: not provided. Allele origin: germline. Inheritance: Autosomal recessive inheritance. Affected: yes.